The following is an entry in ClinVar:

NM_201384.3(PLEC):c.926C>T (p.Ser309Phe)

Gene: PLEC (plectin; minus strand). Cytogenetic location: 8q24.3.
Variant type: single nucleotide variant.
Coding change: c.926C>T on transcript NM_201384.3 (MANE Select); coding-DNA position 926, C replaced by T.
Protein change: p.Ser309Phe; replaces serine 309 with phenylalanine.
Molecular consequence: missense variant.
Genome position (GRCh38, 1-based): chr8:143,934,829, G>A on the plus strand (C>T on the coding strand, the complement: PLEC is on the minus strand). VCF-style: chr8-143934829-G-A. GRCh37 (hg19) VCF-style: chr8-145008997-G-A.
Other names: c.1007C>T, p.Ser336Phe (NM_000445.5, NM_001410941.1); c.884C>T, p.Ser295Phe (NM_201378.4); c.860C>T, p.Ser287Phe (NM_201379.3); c.1337C>T, p.Ser446Phe (NM_201380.4); c.830C>T, p.Ser277Phe (NM_201381.3); c.926C>T, p.Ser309Phe (NM_201382.4); c.938C>T, p.Ser313Phe (NM_201383.3); short protein forms S277F, S287F, S295F, S309F, S313F, S336F, S446F.
Identifiers: ClinVar variation 4787892 (VCV004787892.1).

ClinVar aggregate classification (germline): Uncertain significance (1 of 4 stars; one submission).

Conditions:
Epidermolysis bullosa simplex with nail dystrophy (EBS5D). Identifiers: MedGen C4225309, MONDO:0014661, OMIM 616487.
Epidermolysis bullosa simplex, Ogna type (EBS5A). Also called: EPIDERMOLYSIS BULLOSA SIMPLEX 5A, OGNA TYPE; Pidermolysis bullosa simplex 5A, Ogna type. Identifiers: Orphanet 79401, MedGen C0432317, MONDO:0007555, OMIM 131950.
Autosomal recessive limb-girdle muscular dystrophy type 2Q (LGMDR17). Also called: MUSCULAR DYSTROPHY, LIMB-GIRDLE, AUTOSOMAL RECESSIVE 17. Identifiers: Orphanet 254361, MedGen C3150989, MONDO:0013390, OMIM 613723.
Epidermolysis bullosa simplex 5B, with muscular dystrophy (EBS5B). Also called: EPIDERMOLYSIS BULLOSA SIMPLEX AND LIMB-GIRDLE MUSCULAR DYSTROPHY; Epidermolysis bullosa simplex with muscular dystrophy. Identifiers: Orphanet 257, MedGen C2931072, MONDO:0009181, OMIM 226670.
Epidermolysis bullosa simplex 5C, with pyloric atresia (EBS5C). Also called: PLEC-Related Epidermolysis Bullosa with Pyloric Atresia; Epidermolysis bullosa simplex with pyloric atresia; PLEC1-Related Epidermolysis Bullosa with Pyloric Atresia. Identifiers: Orphanet 158684, MedGen C2677349, MONDO:0012807, OMIM 612138.

gnomAD v4.1: 2 of 1,611,524 alleles (0.00012%); highest among the groups gnomAD compares: Admixed American, 0.0017%; no homozygotes.

Submission:

Labcorp Genetics (formerly Invitae), Labcorp
Classification: Uncertain significance for Autosomal recessive limb-girdle muscular dystrophy type 2Q; Epidermolysis bullosa simplex, Ogna type; Epidermolysis bullosa simplex with nail dystrophy; Epidermolysis bullosa simplex 5C, with pyloric atresia; Epidermolysis bullosa simplex 5B, with muscular dystrophy. Last evaluated: 2025-10-24. Review status: criteria provided, single submitter. Criteria: Invitae Variant Classification Sherloc (09022015). Collection method: clinical testing. Allele origin: germline.
Comment: This sequence change replaces serine, which is neutral and polar, with phenylalanine, which is neutral and non-polar, at codon 336 of the PLEC protein (p.Ser336Phe). This variant is not present in population databases (gnomAD no frequency). This variant has not been reported in the literature in individuals affected with PLEC-related conditions. Invitae Evidence Modeling of protein sequence and biophysical properties (such as structural, functional, and spatial information, amino acid conservation, physicochemical variation, residue mobility, and thermodynamic stability) indicates that this missense variant is not expected to disrupt PLEC protein function with a negative predictive value of 80%. In summary, the available evidence is currently insufficient to determine the role of this variant in disease. Therefore, it has been classified as a Variant of Uncertain Significance.